The following is an entry in ClinVar:

ClinVar aggregate classification (germline): Uncertain significance. Review status: criteria provided, multiple submitters, no conflicts (2 of 4 stars). 4 submissions from 4 submitters: Uncertain significance (4). Last evaluated 2026-03-21.

Conditions:
Retinitis pigmentosa 71 (RP71). Identifiers: Orphanet 791, MedGen C4225342, MONDO:0014618, OMIM 616394.
Short-rib thoracic dysplasia 10 with or without polydactyly (SRTD10). Identifiers: Orphanet 474, MedGen C3810175, MONDO:0014284, OMIM 615630.
IFT172-related disorder. Also called: IFT172-related condition; IFT172-related disorders.
Bardet-Biedl syndrome 20. Identifiers: MedGen C4310707, MONDO:0023670, OMIM 619471, MONDO:0014926.

Allele frequency attached by ClinVar (database versions not stated): gnomAD exomes 0.00008 and 0.00006; gnomAD 0.00011; ExAC 0.00005; TOPMed 0.00006; ESP Exome Variant Server 0.00008.
gnomAD v4.1: 104 of 1,614,054 alleles (0.0064%); highest among the groups gnomAD compares: South Asian, 0.0099%; no homozygotes.

Submissions (5):

PreventionGenetics, part of Exact Sciences
Classification: Uncertain significance for IFT172-related condition. Last evaluated: 2026-03-21. Review status: criteria provided, single submitter. Criteria: ACMG Guidelines, 2015. Collection method: clinical testing. Allele origin: germline.
Comment: The IFT172 c.1991A>G variant is predicted to result in the amino acid substitution p.Asn664Ser. To our knowledge, this variant has not been reported in the literature. This variant is reported in 0.024% of alleles in individuals of European (Finnish) descent in gnomAD. At this time, the clinical significance of this variant is uncertain due to the absence of conclusive functional and genetic evidence.

Labcorp Genetics (formerly Invitae), Labcorp
Classification: Uncertain significance for Retinitis pigmentosa 71; Short-rib thoracic dysplasia 10 with or without polydactyly. Last evaluated: 2024-06-03. Review status: criteria provided, single submitter. Criteria: Invitae Variant Classification Sherloc (09022015). Collection method: clinical testing. Allele origin: germline.
Comment: This sequence change replaces asparagine, which is neutral and polar, with serine, which is neutral and polar, at codon 664 of the IFT172 protein (p.Asn664Ser). This variant is present in population databases (rs199631887, gnomAD 0.02%). This variant has not been reported in the literature in individuals affected with IFT172-related conditions. ClinVar contains an entry for this variant (Variation ID: 1021550). Advanced modeling of protein sequence and biophysical properties (such as structural, functional, and spatial information, amino acid conservation, physicochemical variation, residue mobility, and thermodynamic stability) performed at Invitae indicates that this missense variant is not expected to disrupt IFT172 protein function with a negative predictive value of 80%. In summary, the available evidence is currently insufficient to determine the role of this variant in disease. Therefore, it has been classified as a Variant of Uncertain Significance.

Fulgent Genetics
Classification: Uncertain significance for Short-rib thoracic dysplasia 10 with or without polydactyly; Retinitis pigmentosa 71; Bardet-Biedl syndrome 20. Last evaluated: 2024-04-22. Review status: criteria provided, single submitter. Criteria: ACMG Guidelines, 2015. Collection method: clinical testing. Allele origin: germline.

GeneDx
Classification: Uncertain significance. Last evaluated: 2023-05-12. Review status: criteria provided, single submitter. Criteria: GeneDx Variant Classification Process June 2021. Collection method: clinical testing. Allele origin: germline. Affected: yes.
Comment: In silico analysis supports that this missense variant does not alter protein structure/function; Has not been previously published as pathogenic or benign to our knowledge; This variant is associated with the following publications: (PMID: 29127303)

Dr. Peter K. Rogan Lab, Western University
No classification provided (evidence only). Condition: Ovarian serous cystadenocarcinoma. Review status: no classification provided. Collection method: in vitro. Allele origin: not applicable. Functional consequence: retained intron. Not counted in ClinVar's aggregate classification.

NM_015662.3(IFT172):c.1991A>G (p.Asn664Ser)

Gene: IFT172 (intraflagellar transport 172; minus strand). Cytogenetic location: 2p23.3.
Variant type: single nucleotide variant.
Coding change: c.1991A>G on transcript NM_015662.3 (MANE Select); coding-DNA position 1991, A replaced by G.
Protein change: p.Asn664Ser; replaces asparagine 664 with serine.
Molecular consequence: missense variant.
Genome position (GRCh38, 1-based): chr2:27,463,128, T>C on the plus strand (A>G on the coding strand, the complement: IFT172 is on the minus strand). VCF-style: chr2-27463128-T-C. GRCh37 (hg19) VCF-style: chr2-27685995-T-C.
Other names: c.1991A>G (NM_015662.2); short protein forms N664S.
Identifiers: ClinVar variation 1021550 (VCV001021550.9), dbSNP rs199631887, ClinGen allele CA1580464.